The following is an entry in ClinVar:

NM_004606.5(TAF1):c.2945C>T (p.Pro982Leu)

Gene: TAF1 (TATA-box binding protein associated factor 1; plus strand). Cytogenetic location: Xq13.1.
Variant type: single nucleotide variant.
Coding change: c.2945C>T on transcript NM_004606.5 (MANE Select); coding-DNA position 2945, C replaced by T.
Protein change: p.Pro982Leu; replaces proline 982 with leucine.
Molecular consequence: missense variant. On other transcripts: non-coding transcript variant (9).
Genome position (GRCh38, 1-based): chrX:71,392,888, C>T. VCF-style: chrX-71392888-C-T. GRCh37 (hg19) VCF-style: chrX-70612738-C-T.
Other names: c.2945C>T, p.Pro982Leu (NM_001286074.2); c.2882C>T, p.Pro961Leu (NM_138923.4); c.3005C>T (NM_001286074.1); short protein forms P982L, P961L.
Identifiers: ClinVar variation 2336361 (VCV002336361.7), dbSNP rs770501081, ClinGen allele CA10446965.

ClinVar aggregate classification (germline): Conflicting classifications of pathogenicity. Review status: criteria provided, conflicting classifications (1 of 4 stars). 3 submissions from 3 submitters: Uncertain significance (1); Likely benign (1). 1 of the submissions does not count toward it. Last evaluated 2023-07-17.

Conditions:
Inborn genetic diseases. Identifiers: MedGen C0950123, MeSH D030342.
TAF1-related disorder. Also called: TAF1-related condition.

Allele frequency attached by ClinVar (database versions not stated): gnomAD exomes 0.00002; TOPMed 0.00002; ExAC 0.00003; gnomAD 0.00004.
gnomAD v4.1: 25 of 1,209,255 alleles (0.0021%); highest among the groups gnomAD compares: South Asian, 0.0035%; no homozygotes.

Submissions (3):

Labcorp Genetics (formerly Invitae), Labcorp
Classification: Likely benign. Last evaluated: 2023-07-17. Review status: criteria provided, single submitter. Criteria: Invitae Variant Classification Sherloc (09022015). Collection method: clinical testing. Allele origin: germline.

Ambry Genetics
Classification: Uncertain significance for Inborn genetic diseases. Last evaluated: 2022-12-16. Review status: criteria provided, single submitter. Criteria: Ambry Variant Classification Scheme 2023. Collection method: clinical testing. Allele origin: germline.

PreventionGenetics, part of Exact Sciences
Classification: Uncertain significance for TAF1-related condition. Last evaluated: 2024-01-30. Review status: no assertion criteria provided. Collection method: clinical testing. Allele origin: germline. Not counted in ClinVar's aggregate classification.
Comment: The TAF1 c.3005C>T variant is predicted to result in the amino acid substitution p.Pro1002Leu. To our knowledge, this variant has not been reported in the literature. This variant is reported in 0.0043% of alleles in individuals of European (Non-Finnish) descent in gnomAD. At this time, the clinical significance of this variant is uncertain due to the absence of conclusive functional and genetic evidence.